The following is an entry in ClinVar:

ClinVar aggregate classification (germline): Uncertain significance (1 of 4 stars; one submission).

Submission:

GeneDx
Classification: Uncertain significance. Last evaluated: 2025-02-24. Review status: criteria provided, single submitter. Criteria: GeneDx Variant Classification Process June 2021. Collection method: clinical testing. Allele origin: germline. Affected: yes.
Comment: Not observed at significant frequency in large population cohorts (gnomAD); In silico analysis supports that this missense variant has a deleterious effect on protein structure/function; Has not been previously published as pathogenic or benign to our knowledge

NM_000384.3(APOB):c.6425T>C (p.Leu2142Pro)

Gene: APOB (apolipoprotein B; minus strand). Cytogenetic location: 2p24.1.
Variant type: single nucleotide variant.
Coding change: c.6425T>C on transcript NM_000384.3 (MANE Select); coding-DNA position 6425, T replaced by C.
Protein change: p.Leu2142Pro; replaces leucine 2142 with proline.
Molecular consequence: missense variant.
Genome position (GRCh38, 1-based): chr2:21,010,443, A>G on the plus strand (T>C on the coding strand, the complement: APOB is on the minus strand). VCF-style: chr2-21010443-A-G. GRCh37 (hg19) VCF-style: chr2-21233315-A-G.
Other names: short protein forms L2142P.
Identifiers: ClinVar variation 4082658 (VCV004082658.1).
Genomic context (GRCh38, chr2:21,010,443, plus strand): 5'-TCATCTAATGCAATTTGTATATCATTTTCTGTAATTCTATACTTTTTTGTGAGAGCAGTC[A>G]GTTTCTCCTTGGCATGTGAAACTTGTCTCTCCCAATTGAATGAATTCAGATAATCATTAG-3'
Protein context (NP_000375.3, residues 2132-2152): ERQVSHAKEK[Leu2142Pro]TALTKKYRIT